The following is an entry in ClinVar:

NM_003590.5(CUL3):c.2029+4T>C

Gene: CUL3 (cullin 3; minus strand). Cytogenetic location: 2q36.2.
Variant type: single nucleotide variant.
Coding change: c.2029+4T>C on transcript NM_003590.5 (MANE Select); 4 bases into the intron after coding-DNA position 2029, T replaced by C.
Molecular consequence: intron variant.
Genome position (GRCh38, 1-based): chr2:224,481,888, A>G on the plus strand (T>C on the coding strand, the complement: CUL3 is on the minus strand). VCF-style: chr2-224481888-A-G. GRCh37 (hg19) VCF-style: chr2-225346605-A-G.
Other names: c.1831+4T>C (NM_001257197.2); c.2047+4T>C (NM_001257198.2).
Identifiers: ClinVar variation 3685316 (VCV003685316.2).
Genomic context (GRCh38, chr2:224,481,888, plus strand): 5'-GAGATTTTTTTTCTAAAGAGAAAAATATATAATTTTTTGAGAGGAAAAATATAATTCCAG[A>G]TACCTGTTTGAATCTTGACTCTGTGTAGTTTGGATGTGAATTGATCATTAACTGTAAATA-3'

ClinVar aggregate classification (germline): Uncertain significance (1 of 4 stars; one submission).

gnomAD v4.1: 6 of 1,465,580 alleles (0.00041%); highest among the groups gnomAD compares: Middle Eastern, 0.023%; no homozygotes.

Submission:

Labcorp Genetics (formerly Invitae), Labcorp
Classification: Uncertain significance. Last evaluated: 2024-09-27. Review status: criteria provided, single submitter. Criteria: Invitae Variant Classification Sherloc (09022015). Collection method: clinical testing. Allele origin: germline.
Comment: This sequence change falls in intron 14 of the CUL3 gene. It does not directly change the encoded amino acid sequence of the CUL3 protein. It affects a nucleotide within the consensus splice site. This variant is present in population databases (no rsID available, gnomAD 0.005%). This variant has not been reported in the literature in individuals affected with CUL3-related conditions. Variants that disrupt the consensus splice site are a relatively common cause of aberrant splicing (PMID: 17576681, 9536098). Algorithms developed to predict the effect of sequence changes on RNA splicing suggest that this variant is not likely to affect RNA splicing. In summary, the available evidence is currently insufficient to determine the role of this variant in disease. Therefore, it has been classified as a Variant of Uncertain Significance.

Literature cited by the submitters: PubMed 17576681; PubMed 9536098.